The following is an entry in ClinVar:

NM_003701.4(TNFSF11):c.403G>A (p.Val135Ile)

Genes: TNFSF11 (TNF superfamily member 11; plus strand), LOC126861753 (P300/CBP strongly-dependent group 1 enhancer GRCh37_chr13:43174688-43175887; plus strand). Cytogenetic location: 13q14.11.
Variant type: single nucleotide variant.
Coding change: c.403G>A on transcript NM_003701.4 (MANE Select); coding-DNA position 403, G replaced by A.
Protein change: p.Val135Ile; replaces valine 135 with isoleucine.
Molecular consequence: missense variant.
Genome position (GRCh38, 1-based): chr13:42,600,767, G>A. VCF-style: chr13-42600767-G-A. GRCh37 (hg19) VCF-style: chr13-43174903-G-A.
Other names: c.184G>A, p.Val62Ile (NM_033012.4); short protein forms V62I, V135I.
Identifiers: ClinVar variation 312233 (VCV000312233.14), dbSNP rs201389502, ClinGen allele CA6967211.
Genomic context (GRCh38, chr13:42,600,767, plus strand): 5'-AAAGAATGATTTTATAAATAAAATTATTTTTCCTTTTTATTTCAGGAATTACAACATATC[G>A]TTGGATCACAGCACATCAGAGCAGAGAAAGGTAAGCATGGATCCATACATCTGTATGAAA-3'
Protein context (NP_003692.1, residues 125-145): GAVQKELQHI[Val135Ile]GSQHIRAEKA

ClinVar aggregate classification (germline): Uncertain significance. Review status: criteria provided, multiple submitters, no conflicts (2 of 4 stars). 3 submissions from 3 submitters: Uncertain significance (3). Last evaluated 2025-12-09.

Conditions:
Autosomal recessive osteopetrosis 2. Also called: OSTEOPETROSIS, MILD AUTOSOMAL RECESSIVE FORM. Identifiers: Orphanet 667, MedGen C1850126, MONDO:0009816, OMIM 259710.
Inborn genetic diseases. Identifiers: MedGen C0950123, MeSH D030342.

Allele frequency attached by ClinVar (database versions not stated): gnomAD 0.00001; gnomAD exomes 0.00001; ExAC 0.00002; TOPMed 0.00002.
gnomAD v4.1: 17 of 1,613,686 alleles (0.0011%); highest among the groups gnomAD compares: East Asian, 0.013%; no homozygotes.

Submissions (3):

Ambry Genetics
Classification: Uncertain significance for Inborn genetic diseases. Last evaluated: 2025-12-09. Review status: criteria provided, single submitter. Criteria: Ambry Variant Classification Scheme 2023. Collection method: clinical testing. Allele origin: germline.

Labcorp Genetics (formerly Invitae), Labcorp
Classification: Uncertain significance. Last evaluated: 2024-10-21. Review status: criteria provided, single submitter. Criteria: Invitae Variant Classification Sherloc (09022015). Collection method: clinical testing. Allele origin: germline.
Comment: This sequence change replaces valine, which is neutral and non-polar, with isoleucine, which is neutral and non-polar, at codon 135 of the TNFSF11 protein (p.Val135Ile). This variant is present in population databases (rs201389502, gnomAD 0.006%). This variant has not been reported in the literature in individuals affected with TNFSF11-related conditions. ClinVar contains an entry for this variant (Variation ID: 312233). Invitae Evidence Modeling of protein sequence and biophysical properties (such as structural, functional, and spatial information, amino acid conservation, physicochemical variation, residue mobility, and thermodynamic stability) indicates that this missense variant is not expected to disrupt TNFSF11 protein function with a negative predictive value of 80%. In summary, the available evidence is currently insufficient to determine the role of this variant in disease. Therefore, it has been classified as a Variant of Uncertain Significance.

Illumina Laboratory Services, Illumina
Classification: Uncertain significance for Autosomal recessive osteopetrosis 2. Last evaluated: 2018-01-13. Review status: criteria provided, single submitter. Criteria: ICSL Variant Classification Criteria 13 December 2019. Collection method: clinical testing. Allele origin: germline.